The following is an entry in ClinVar:

NM_001330260.2(SCN8A):c.-67C>T

Gene: SCN8A (sodium voltage-gated channel alpha subunit 8; plus strand). Cytogenetic location: 12q13.13.
Variant type: single nucleotide variant.
Coding change: c.-67C>T on transcript NM_001330260.2 (MANE Select); 67 bases upstream of the start codon, C replaced by T.
Molecular consequence: 5 prime UTR variant.
Genome position (GRCh38, 1-based): chr12:51,591,347, C>T. VCF-style: chr12-51591347-C-T. GRCh37 (hg19) VCF-style: chr12-51985131-C-T.
Other names: c.-67C>T (NM_001177984.3, NM_001369788.1, NM_014191.4).
Identifiers: ClinVar variation 207103 (VCV000207103.4), dbSNP rs374729451, ClinGen allele CA318245.

ClinVar aggregate classification (germline): Conflicting classifications of pathogenicity. Review status: criteria provided, conflicting classifications (1 of 4 stars). 3 submissions from 3 submitters: Uncertain significance (1); Benign (1). 1 of the submissions does not count toward it. Last evaluated 2025-01-23.

Conditions:
SCN8A-related disorder.

Allele frequency attached by ClinVar (database versions not stated): gnomAD 0.00011 and 0.00006; 1000 Genomes Project 30x 0.00062; TOPMed 0.00008; gnomAD exomes 0.00061.
gnomAD v4.1: 19 of 155,530 alleles (0.012%); highest among the groups gnomAD compares: East Asian, 0.17%; no homozygotes.

Submissions (3):

Revvity Omics, Revvity
Classification: Uncertain significance. Last evaluated: 2025-01-23. Review status: criteria provided, single submitter. Criteria: ACMG Guidelines, 2015. Collection method: clinical testing. Allele origin: germline.

GeneDx
Classification: Benign. Last evaluated: 2014-07-31. Review status: criteria provided, single submitter. Criteria: GeneDx Variant Classification (06012015). Collection method: clinical testing. Allele origin: germline. Affected: yes.
Comment: This variant is considered likely benign or benign based on one or more of the following criteria: it is a conservative change, it occurs at a poorly conserved position in the protein, it is predicted to be benign by multiple in silico algorithms, and/or has population frequency not consistent with disease.

PreventionGenetics, part of Exact Sciences
Classification: Likely benign for SCN8A-related condition. Last evaluated: 2022-08-18. Review status: no assertion criteria provided. Collection method: clinical testing. Allele origin: germline. Not counted in ClinVar's aggregate classification.
Comment: This variant is classified as likely benign based on ACMG/AMP sequence variant interpretation guidelines (Richards et al. 2015 PMID: 25741868, with internal and published modifications).